The following is an entry in ClinVar:

NM_004369.4(COL6A3):c.4004G>C (p.Gly1335Ala)

Gene: COL6A3 (collagen type VI alpha 3 chain; minus strand). Cytogenetic location: 2q37.3.
Variant type: single nucleotide variant.
Coding change: c.4004G>C on transcript NM_004369.4 (MANE Select); coding-DNA position 4004, G replaced by C.
Protein change: p.Gly1335Ala; replaces glycine 1335 with alanine.
Molecular consequence: missense variant.
Genome position (GRCh38, 1-based): chr2:237,372,013, C>G on the plus strand (G>C on the coding strand, the complement: COL6A3 is on the minus strand). VCF-style: chr2-237372013-C-G. GRCh37 (hg19) VCF-style: chr2-238280656-C-G.
Other names: c.2783G>C, p.Gly928Ala (NM_057164.5); c.3386G>C, p.Gly1129Ala (NM_057165.5, NM_057167.4); c.2183G>C, p.Gly728Ala (NM_057166.5); short protein forms G1129A, G928A, G1335A, G728A.
Identifiers: ClinVar variation 2305794 (VCV002305794.5), dbSNP rs763111518, ClinGen allele CA351197501.

ClinVar aggregate classification (germline): Uncertain significance. Review status: criteria provided, multiple submitters, no conflicts (2 of 4 stars). 2 submissions from 2 submitters: Uncertain significance (2). Last evaluated 2023-10-24.

Conditions:
Bethlem myopathy 1A. Also called: Bethlem Muscular Dystrophy; MYOPATHY, BENIGN CONGENITAL, WITH CONTRACTURES; Bethlem myopathy 1. Identifiers: Orphanet 610, MedGen CN029274, MONDO:0024530, OMIM 158810.
Inborn genetic diseases. Identifiers: MedGen C0950123, MeSH D030342.

gnomAD v4.1: 1 of 1,614,146 alleles (0.000062%); highest among the groups gnomAD compares: Non-Finnish European, 0.000085%; no homozygotes.

Submissions (2):

Labcorp Genetics (formerly Invitae), Labcorp
Classification: Uncertain significance for Bethlem myopathy 1A. Last evaluated: 2023-10-24. Review status: criteria provided, single submitter. Criteria: Invitae Variant Classification Sherloc (09022015). Collection method: clinical testing. Allele origin: germline.
Comment: This sequence change replaces glycine, which is neutral and non-polar, with alanine, which is neutral and non-polar, at codon 1335 of the COL6A3 protein (p.Gly1335Ala). This variant is not present in population databases (gnomAD no frequency). This variant has not been reported in the literature in individuals affected with COL6A3-related conditions. ClinVar contains an entry for this variant (Variation ID: 2305794). Advanced modeling of protein sequence and biophysical properties (such as structural, functional, and spatial information, amino acid conservation, physicochemical variation, residue mobility, and thermodynamic stability) has been performed at Invitae for this missense variant, however the output from this modeling did not meet the statistical confidence thresholds required to predict the impact of this variant on COL6A3 protein function. In summary, the available evidence is currently insufficient to determine the role of this variant in disease. Therefore, it has been classified as a Variant of Uncertain Significance.

Ambry Genetics
Classification: Uncertain significance for Inborn genetic diseases. Last evaluated: 2022-08-08. Review status: criteria provided, single submitter. Criteria: Ambry Variant Classification Scheme 2023. Collection method: clinical testing. Allele origin: germline.